The following is an entry in ClinVar:

ClinVar aggregate classification (germline): Uncertain significance (1 of 4 stars; one submission).

Submission:

GeneDx
Classification: Uncertain significance. Last evaluated: 2026-02-07. Review status: criteria provided, single submitter. Criteria: GeneDx Variant Classification Process June 2021. Collection method: clinical testing. Allele origin: germline.
Comment: Not observed at significant frequency in large population cohorts (gnomAD); In silico analysis supports that this missense variant has a deleterious effect on protein structure/function; Has not been previously published as pathogenic or benign to our knowledge

NM_001348800.3(ZBTB20):c.293G>A (p.Arg98His)

Gene: ZBTB20 (zinc finger and BTB domain containing 20; minus strand). Cytogenetic location: 3q13.31.
Variant type: single nucleotide variant.
Coding change: c.293G>A on transcript NM_001348800.3 (MANE Select); coding-DNA position 293, G replaced by A.
Protein change: p.Arg98His; replaces arginine 98 with histidine.
Molecular consequence: missense variant.
Genome position (GRCh38, 1-based): chr3:114,351,785, C>T on the plus strand (G>A on the coding strand, the complement: ZBTB20 is on the minus strand). VCF-style: chr3-114351785-C-T. GRCh37 (hg19) VCF-style: chr3-114070632-C-T.
Other names: c.293G>A, p.Arg98His (NM_001164342.2, NM_001348803.3, NM_001393393.1 and 1 more transcripts); c.74G>A, p.Arg25His (NM_001164343.2, NM_001164344.4, NM_001164345.4 and 9 more transcripts); short protein forms R25H, R98H.
Identifiers: ClinVar variation 4976413 (VCV004976413.1).